The following is an entry in ClinVar:

NM_205836.3(FBXO38):c.2200G>A (p.Gly734Ser)

Gene: FBXO38 (F-box protein 38; plus strand). Cytogenetic location: 5q32.
Variant type: single nucleotide variant.
Coding change: c.2200G>A on transcript NM_205836.3 (MANE Select); coding-DNA position 2200, G replaced by A.
Protein change: p.Gly734Ser; replaces glycine 734 with serine.
Molecular consequence: missense variant. On other transcripts: intron variant (1).
Genome position (GRCh38, 1-based): chr5:148,427,494, G>A. VCF-style: chr5-148427494-G-A. GRCh37 (hg19) VCF-style: chr5-147807057-G-A.
Other names: c.2200G>A, p.Gly734Ser (NM_030793.5); c.1918+1793G>A (NM_001271723.2); c.2200G>A (NM_205836.1); short protein forms G734S.
Identifiers: ClinVar variation 767468 (VCV000767468.14), dbSNP rs140445029, ClinGen allele CA3497467.

ClinVar aggregate classification (germline): Likely benign. Review status: criteria provided, multiple submitters, no conflicts (2 of 4 stars). 3 submissions from 3 submitters: Likely benign (3). Last evaluated 2025-12-14.

Conditions:
Distal hereditary motor neuropathy type 2. Identifiers: Orphanet 139525, MedGen C3711384, MeSH C580044, MONDO:0015352.
FBXO38-related disorder. Also called: FBXO38-related condition.

Allele frequency attached by ClinVar (database versions not stated): gnomAD exomes 0.00003 and 0.00007; ExAC 0.00008; 1000 Genomes Project 0.00020; gnomAD 0.00020 and 0.00021; ESP Exome Variant Server 0.00023; TOPMed 0.00025; 1000 Genomes Project 30x 0.00031.
gnomAD v4.1: 69 of 1,614,198 alleles (0.0043%); highest among the groups gnomAD compares: African/African-American, 0.072%; no homozygotes.

Submissions (3):

Labcorp Genetics (formerly Invitae), Labcorp
Classification: Likely benign for Distal hereditary motor neuropathy type 2. Last evaluated: 2025-12-14. Review status: criteria provided, single submitter. Criteria: Invitae Variant Classification Sherloc (09022015). Collection method: clinical testing. Allele origin: germline.

PreventionGenetics, part of Exact Sciences
Classification: Likely benign for FBXO38-related condition. Last evaluated: 2025-07-02. Review status: criteria provided, single submitter. Criteria: ACMG Guidelines, 2015. Collection method: clinical testing. Allele origin: germline.
Comment: This variant is classified as likely benign based on ACMG/AMP sequence variant interpretation guidelines (Richards et al. 2015 PMID: 25741868, with internal and published modifications).

Ambry Genetics
Classification: Likely benign. Last evaluated: 2023-06-21. Review status: criteria provided, single submitter. Criteria: Ambry Variant Classification Scheme 2023. Collection method: clinical testing. Allele origin: germline.